The following is an entry in ClinVar:

NM_207037.2(TCF12):c.1036-6G>A

Gene: TCF12 (transcription factor 12; plus strand). Cytogenetic location: 15q21.3.
Variant type: single nucleotide variant.
Coding change: c.1036-6G>A on transcript NM_207037.2 (MANE Select); 6 bases into the intron before coding-DNA position 1036, G replaced by A.
Molecular consequence: intron variant.
Genome position (GRCh38, 1-based): chr15:57,243,466, G>A. VCF-style: chr15-57243466-G-A. GRCh37 (hg19) VCF-style: chr15-57535664-G-A.
Other names: c.1036-6G>A (NM_001322151.2, NM_001322159.3, NM_001322157.3 and 7 more transcripts); c.862-6G>A (NM_001322156.2, NM_001322158.2); c.379-6G>A (NM_001322154.2); c.1072-6G>A (NM_001322164.2); c.526-6G>A (NM_001306219.3, NM_207040.2); c.328-6G>A (NM_001306220.3).
Identifiers: ClinVar variation 2034271 (VCV002034271.5), dbSNP rs2551469564, ClinGen allele CA2580089809.

ClinVar aggregate classification (germline): Conflicting classifications of pathogenicity. Review status: criteria provided, conflicting classifications (1 of 4 stars). 2 submissions from 2 submitters: Likely pathogenic (1); Uncertain significance (1). Last evaluated 2023-07-07.

Conditions:
TCF12-related craniosynostosis. Also called: Craniosynostosis 3. Identifiers: Orphanet 35098, Orphanet 35099, Orphanet 672979, MedGen C3715051, MONDO:0014128, OMIM 615314.

Allele frequency attached by ClinVar (database versions not stated): gnomAD exomes below 0.00001.
gnomAD v4.1: 1 of 1,612,308 alleles (0.000062%); highest among the groups gnomAD compares: Non-Finnish European, 0.000085%; no homozygotes.

Submissions (2):

Labcorp Genetics (formerly Invitae), Labcorp
Classification: Uncertain significance. Last evaluated: 2023-07-07. Review status: criteria provided, single submitter. Criteria: Invitae Variant Classification Sherloc (09022015). Collection method: clinical testing. Allele origin: germline.
Comment: In summary, the available evidence is currently insufficient to determine the role of this variant in disease. Therefore, it has been classified as a Variant of Uncertain Significance. Algorithms developed to predict the effect of sequence changes on RNA splicing suggest that this variant may create or strengthen a splice site. ClinVar contains an entry for this variant (Variation ID: 2034271). This variant has not been reported in the literature in individuals affected with TCF12-related conditions. This variant is not present in population databases (gnomAD no frequency). This sequence change falls in intron 12 of the TCF12 gene. It does not directly change the encoded amino acid sequence of the TCF12 protein.

HUSP Clinical Genetics Laboratory, Hospital Universitario San Pedro De Logroño (HUSP)
Classification: Likely pathogenic for TCF12-related craniosynostosis. Review status: criteria provided, single submitter. Criteria: ACMG Guidelines, 2015. Collection method: clinical testing. Allele origin: de novo. Inheritance: Autosomal dominant inheritance. Affected: yes. Observed: 1 variant allele.
Comment: The c.1036-6G>A variant in the 12 intron of the TCF12 gene (NM_207037.2) is predicted to change the canonical splicing. This variant is not detected in general population. Pathogenic variants in the TCF12 gene have been associated with the following phenotype: craniosynostosis (OMIM:615314), with autosomal dominant inheritance.